The following is an entry in ClinVar:

ClinVar aggregate classification (germline): Uncertain significance. Review status: criteria provided, multiple submitters, no conflicts (2 of 4 stars). 3 submissions from 3 submitters: Uncertain significance (3). Last evaluated 2025-07-01.

Conditions:
Inborn genetic diseases. Identifiers: MedGen C0950123, MeSH D030342.
Cataract 18 (CATC2). Also called: CATARACT 18, AUTOSOMAL RECESSIVE. Identifiers: Orphanet 91492, Orphanet 98991, Orphanet 98992, Orphanet 98995, MedGen C1864908, MONDO:0012395, OMIM 610019.

Allele frequency attached by ClinVar (database versions not stated): ExAC 0.00002; gnomAD exomes 0.00003 and 0.00016; TOPMed 0.00006; gnomAD 0.00007.

Submissions (3):

CeGaT Center for Human Genetics Tuebingen
Classification: Uncertain significance. Last evaluated: 2025-07-01. Review status: criteria provided, single submitter. Criteria: CeGaT Center For Human Genetics Tuebingen Variant Classification Criteria Version 2. Collection method: clinical testing. Allele origin: germline. Affected: yes. Observed: 1 variant allele.
Comment: FYCO1: PM2

Ambry Genetics
Classification: Uncertain significance for Inborn genetic diseases. Last evaluated: 2022-02-17. Review status: criteria provided, single submitter. Criteria: Ambry Variant Classification Scheme 2023. Collection method: clinical testing. Allele origin: germline.

Labcorp Genetics (formerly Invitae), Labcorp
Classification: Uncertain significance for Cataract 18. Last evaluated: 2019-05-23. Review status: criteria provided, single submitter. Criteria: Invitae Variant Classification Sherloc (09022015). Collection method: clinical testing. Allele origin: germline.
Comment: This sequence change replaces arginine with glutamine at codon 1191 of the FYCO1 protein (p.Arg1191Gln). The arginine residue is highly conserved and there is a small physicochemical difference between arginine and glutamine. This variant is present in population databases (rs755500518, ExAC 0.01%). This variant has not been reported in the literature in individuals with FYCO1-related conditions. Algorithms developed to predict the effect of missense changes on protein structure and function (SIFT, PolyPhen-2, Align-GVGD) all suggest that this variant is likely to be disruptive, but these predictions have not been confirmed by published functional studies and their clinical significance is uncertain. In summary, the available evidence is currently insufficient to determine the role of this variant in disease. Therefore, it has been classified as a Variant of Uncertain Significance.

NM_024513.4(FYCO1):c.3572G>A (p.Arg1191Gln)

Gene: FYCO1 (FYVE and coiled-coil domain autophagy adaptor 1; minus strand). Cytogenetic location: 3p21.31.
Variant type: single nucleotide variant.
Coding change: c.3572G>A on transcript NM_024513.4 (MANE Select); coding-DNA position 3572, G replaced by A.
Protein change: p.Arg1191Gln; replaces arginine 1191 with glutamine.
Molecular consequence: missense variant.
Genome position (GRCh38, 1-based): chr3:45,959,408, C>T on the plus strand (G>A on the coding strand, the complement: FYCO1 is on the minus strand). VCF-style: chr3-45959408-C-T. GRCh37 (hg19) VCF-style: chr3-46000900-C-T.
Other names: c.3572G>A (NM_024513.2); short protein forms R1191Q.
Identifiers: ClinVar variation 952445 (VCV000952445.11), dbSNP rs755500518, ClinGen allele CA2352758.